The following is an entry in ClinVar:

ClinVar aggregate classification (germline): Uncertain significance (1 of 4 stars; one submission).

Conditions:
Cardiomyopathy (CMYO). Also called: Cardiomyopathies. Identifiers: Orphanet 167848, MedGen C0878544, MONDO:0004994, HP:0001638. Inheritance: Various modes of inheritance.

Submission:

Color Diagnostics, LLC DBA Color Health
Classification: Uncertain significance for Cardiomyopathy. Last evaluated: 2025-04-28. Review status: criteria provided, single submitter. Criteria: ACMG Guidelines, 2015. Collection method: clinical testing. Allele origin: germline.
Comment: This missense variant replaces valine with leucine at codon 534 of the PRKAG2 protein. Computational prediction suggests that this variant may have deleterious impact on protein structure and function. To our knowledge, functional studies have not been reported for this variant. This variant has not been reported in individuals affected with PRKAG2-related disorders in the literature. This variant has not been identified in the general population by the Genome Aggregation Database (gnomAD). The available evidence is insufficient to determine the role of this variant in disease conclusively. Therefore, this variant is classified as a Variant of Uncertain Significance.

NM_016203.4(PRKAG2):c.1600G>T (p.Val534Leu)

Gene: PRKAG2 (protein kinase AMP-activated non-catalytic subunit gamma 2; minus strand). Cytogenetic location: 7q36.1.
Variant type: single nucleotide variant.
Coding change: c.1600G>T on transcript NM_016203.4 (MANE Select); coding-DNA position 1600, G replaced by T.
Protein change: p.Val534Leu; replaces valine 534 with leucine.
Molecular consequence: missense variant.
Genome position (GRCh38, 1-based): chr7:151,560,602, C>A on the plus strand (G>T on the coding strand, the complement: PRKAG2 is on the minus strand). VCF-style: chr7-151560602-C-A. GRCh37 (hg19) VCF-style: chr7-151257688-C-A.
Other names: c.877G>T, p.Val293Leu (NM_001407034.1, NM_001407035.1, NM_024429.2 and 1 more transcripts); c.874G>T, p.Val292Leu (NM_001407036.1, NM_001407039.1, NM_001407040.1); c.937G>T, p.Val313Leu (NM_001407037.1); c.925G>T, p.Val309Leu (NM_001407038.1); c.1468G>T, p.Val490Leu (NM_001040633.2, NM_001407024.1); c.1225G>T, p.Val409Leu (NM_001304527.2, NM_001407029.1); c.1228G>T, p.Val410Leu (NM_001363698.2, NM_001407028.1); c.1600G>T, p.Val534Leu (NM_001407021.1); and 6 more; short protein forms V292L, V293L, V309L, V313L, V409L, V410L, V426L, V428L.
Identifiers: ClinVar variation 4758648 (VCV004758648.1).
Genomic context (GRCh38, chr7:151,560,602, plus strand): 5'-GGGCTTGCAGAATGTCCGACAGGGAAATAATACCCACAATACTATCTGCTTCATTTACCA[C>A]CACCAGCCGATGGACCTGCAAAGAGAAAAGCAGGACACGTGAAAATTAACATTTAAAAAA-3'
Protein context (NP_057287.2, residues 524-544): IVRAEVHRLV[Val534Leu]VNEADSIVGI